The following is an entry in ClinVar:

NM_017763.6(RNF43):c.409G>A (p.Val137Ile)

Gene: RNF43 (ring finger protein 43; minus strand). Cytogenetic location: 17q22.
Variant type: single nucleotide variant.
Coding change: c.409G>A on transcript NM_017763.6 (MANE Select); coding-DNA position 409, G replaced by A.
Protein change: p.Val137Ile; replaces valine 137 with isoleucine.
Molecular consequence: missense variant.
Genome position (GRCh38, 1-based): chr17:58,363,567, C>T on the plus strand (G>A on the coding strand, the complement: RNF43 is on the minus strand). VCF-style: chr17-58363567-C-T. GRCh37 (hg19) VCF-style: chr17-56440928-C-T.
Other names: c.409G>A, p.Val137Ile (NM_001305544.3); c.28G>A, p.Val10Ile (NM_001305545.2); short protein forms V10I, V137I.
Identifiers: ClinVar variation 3789946 (VCV003789946.1).

ClinVar aggregate classification (germline): Uncertain significance (1 of 4 stars; one submission).

gnomAD v4.1: 4 of 1,612,852 alleles (0.00025%); highest among the groups gnomAD compares: Middle Eastern, 0.05%; no homozygotes.

Submission:

Ambry Genetics
Classification: Uncertain significance. Last evaluated: 2025-02-16. Review status: criteria provided, single submitter. Criteria: Ambry Variant Classification Scheme 2023. Collection method: clinical testing. Allele origin: germline.
Comment: The p.V137I variant (also known as c.409G>A), located in coding exon 3 of the RNF43 gene, results from a G to A substitution at nucleotide position 409. The valine at codon 137 is replaced by isoleucine, an amino acid with highly similar properties. This amino acid position is conserved. In addition, this alteration is predicted to be tolerated by in silico analysis. Based on the available evidence, the clinical significance of this variant remains unclear.